The following is an entry in ClinVar:

ClinVar aggregate classification (germline): Uncertain significance (0 of 4 stars; one submission).

Conditions:
Familial long QT syndrome (RWS). Also called: Romano-Ward syndrome; VENTRICULAR FIBRILLATION WITH PROLONGED QT INTERVAL; Congenital long QT syndrome. Identifiers: Orphanet 768, MedGen C1141890, MONDO:0019171.

gnomAD v4.1: 59 of 1,551,832 alleles (0.0038%); highest among the groups gnomAD compares: East Asian, 0.0049%; no homozygotes.

Submission:

Genetics and Genomics Program, Sidra Medicine
Classification: Uncertain significance for Isolated congenital long QT syndrome. Review status: no assertion criteria provided. Collection method: research. Allele origin: unknown. Affected: yes.
Comment: It is not reported in gnomAD (PM2). ACMG codes: PM1, PM2, PP3.

NM_014588.6(VSX1):c.644G>T (p.Arg215Leu)

Gene: VSX1 (visual system homeobox 1; minus strand). Cytogenetic location: 20p11.21.
Variant type: single nucleotide variant.
Coding change: c.644G>T on transcript NM_014588.6 (MANE Select); coding-DNA position 644, G replaced by T.
Protein change: p.Arg215Leu; replaces arginine 215 with leucine.
Molecular consequence: missense variant. On other transcripts: 5 prime UTR variant (1), non-coding transcript variant (4), intron variant (1).
Genome position (GRCh38, 1-based): chr20:25,077,849, C>A on the plus strand (G>T on the coding strand, the complement: VSX1 is on the minus strand). VCF-style: chr20-25077849-C-A. GRCh37 (hg19) VCF-style: chr20-25058485-C-A.
Other names: c.644G>T, p.Arg215Leu (NM_001256272.2); c.-50G>T (NM_001378633.1); c.627+980G>T (NM_001256271.2); short protein forms R215L.
Identifiers: ClinVar variation 3358899 (VCV003358899.1).